The following is an entry in ClinVar:

ClinVar aggregate classification (germline): Uncertain significance (1 of 4 stars; one submission).

Allele frequency attached by ClinVar (database versions not stated): gnomAD 0.00001; gnomAD exomes below 0.00001; TOPMed 0.00002.
gnomAD v4.1: 7 of 1,599,750 alleles (0.00044%); highest among the groups gnomAD compares: African/African-American, 0.0094%; no homozygotes.

Submission:

Labcorp Genetics (formerly Invitae), Labcorp
Classification: Uncertain significance. Last evaluated: 2021-07-30. Review status: criteria provided, single submitter. Criteria: Invitae Variant Classification Sherloc (09022015). Collection method: clinical testing. Allele origin: germline.
Comment: This sequence change replaces threonine with alanine at codon 549 of the CEP78 protein (p.Thr549Ala). The threonine residue is moderately conserved and there is a small physicochemical difference between threonine and alanine. This variant is not present in population databases (ExAC no frequency). This variant has not been reported in the literature in individuals affected with CEP78-related conditions. Algorithms developed to predict the effect of missense changes on protein structure and function output the following: SIFT: "Tolerated"; PolyPhen-2: "Benign"; Align-GVGD: "Class C0". The alanine amino acid residue is found in multiple mammalian species, which suggests that this missense change does not adversely affect protein function. In summary, the available evidence is currently insufficient to determine the role of this variant in disease. Therefore, it has been classified as a Variant of Uncertain Significance.

NM_001330691.3(CEP78):c.1642A>G (p.Thr548Ala)

Gene: CEP78 (centrosomal protein 78; plus strand). Cytogenetic location: 9q21.2.
Variant type: single nucleotide variant.
Coding change: c.1642A>G on transcript NM_001330691.3 (MANE Select); coding-DNA position 1642, A replaced by G.
Protein change: p.Thr548Ala; replaces threonine 548 with alanine.
Molecular consequence: missense variant.
Genome position (GRCh38, 1-based): chr9:78,265,388, A>G. VCF-style: chr9-78265388-A-G. GRCh37 (hg19) VCF-style: chr9-80880304-A-G.
Other names: c.1645A>G, p.Thr549Ala (NM_001098802.3, NM_001349839.2, NM_001349840.2 and 1 more transcripts); c.1642A>G, p.Thr548Ala (NM_001330693.3, NM_001330694.2, NM_001349838.2); short protein forms T549A, T548A.
Identifiers: ClinVar variation 1478908 (VCV001478908.3), dbSNP rs1008462955, ClinGen allele CA194408465.